The following is an entry in ClinVar:

NM_005591.4(MRE11):c.1172A>T (p.Asn391Ile)

Gene: MRE11 (MRE11 double strand break repair nuclease; minus strand). Cytogenetic location: 11q21.
Variant type: single nucleotide variant.
Coding change: c.1172A>T on transcript NM_005591.4 (MANE Select); coding-DNA position 1172, A replaced by T.
Protein change: p.Asn391Ile; replaces asparagine 391 with isoleucine.
Molecular consequence: missense variant.
Genome position (GRCh38, 1-based): chr11:94,464,166, T>A on the plus strand (A>T on the coding strand, the complement: MRE11 is on the minus strand). VCF-style: chr11-94464166-T-A. GRCh37 (hg19) VCF-style: chr11-94197332-T-A.
Other names: c.1172A>T, p.Asn391Ile (NM_001330347.2, NM_005590.4); short protein forms N391I.
Identifiers: ClinVar variation 1800043 (VCV001800043.2), dbSNP rs2496426594, ClinGen allele CA382372830.

ClinVar aggregate classification (germline): Uncertain significance (1 of 4 stars; one submission).

Conditions:
Hereditary cancer-predisposing syndrome. Also called: Neoplastic Syndromes, Hereditary; Tumor predisposition; Hereditary Cancer Syndrome; Hereditary neoplastic syndrome. Identifiers: Orphanet 140162, MedGen C0027672, MeSH D009386, MONDO:0015356.

Submission:

Ambry Genetics
Classification: Uncertain significance for Hereditary cancer-predisposing syndrome. Last evaluated: 2022-05-05. Review status: criteria provided, single submitter. Criteria: Ambry Variant Classification Scheme 2023. Collection method: clinical testing. Allele origin: germline.
Comment: The p.N391I variant (also known as c.1172A>T), located in coding exon 10 of the MRE11A gene, results from an A to T substitution at nucleotide position 1172. The asparagine at codon 391 is replaced by isoleucine, an amino acid with dissimilar properties. This amino acid position is conserved. In addition, this alteration is predicted to be deleterious by in silico analysis. Since supporting evidence is limited at this time, the clinical significance of this alteration remains unclear.